The following is an entry in ClinVar:

NM_003722.5(TP63):c.1450C>A (p.Pro484Thr)

Gene: TP63 (tumor protein p63; plus strand). Cytogenetic location: 3q28.
Variant type: single nucleotide variant.
Coding change: c.1450C>A on transcript NM_003722.5 (MANE Select); coding-DNA position 1450, C replaced by A.
Protein change: p.Pro484Thr; replaces proline 484 with threonine.
Molecular consequence: missense variant.
Genome position (GRCh38, 1-based): chr3:189,886,494, C>A. VCF-style: chr3-189886494-C-A. GRCh37 (hg19) VCF-style: chr3-189604283-C-A.
Other names: c.1450C>A (NM_003722.4); c.1450C>A, p.Pro484Thr (NM_001114978.2, NM_001329144.2); c.1168C>A, p.Pro390Thr (NM_001114980.2, NM_001114981.2, NM_001329145.2); c.913C>A, p.Pro305Thr (NM_001329146.2); c.1438C>A, p.Pro480Thr (NM_001329148.2); c.1156C>A, p.Pro386Thr (NM_001329149.2); c.901C>A, p.Pro301Thr (NM_001329150.2); c.1444C>A, p.Pro482Thr (NM_001329964.2); short protein forms P305T, P301T, P484T, P480T, P482T, P386T, P390T.
Identifiers: ClinVar variation 2722243 (VCV002722243.3), dbSNP rs751728506, ClinGen allele CA2752483.

ClinVar aggregate classification (germline): Uncertain significance. Review status: criteria provided, multiple submitters, no conflicts (2 of 4 stars). 2 submissions from 2 submitters: Uncertain significance (2). Last evaluated 2023-10-14.

Conditions:
Inborn genetic diseases. Identifiers: MedGen C0950123, MeSH D030342.
TP63-Related Spectrum Disorders.

Allele frequency attached by ClinVar (database versions not stated): gnomAD exomes below 0.00001; ExAC 0.00001.
gnomAD v4.1: 2 of 1,614,116 alleles (0.00012%); highest among the groups gnomAD compares: East Asian, 0.0022%; no homozygotes.

Submissions (2):

Ambry Genetics
Classification: Uncertain significance for Inborn genetic diseases. Last evaluated: 2023-10-14. Review status: criteria provided, single submitter. Criteria: Ambry Variant Classification Scheme 2023. Collection method: clinical testing. Allele origin: germline.

Labcorp Genetics (formerly Invitae), Labcorp
Classification: Uncertain significance. Last evaluated: 2023-05-09. Review status: criteria provided, single submitter. Criteria: Invitae Variant Classification Sherloc (09022015). Collection method: clinical testing. Allele origin: germline.
Comment: This variant has not been reported in the literature in individuals affected with TP63-related conditions. Advanced modeling of protein sequence and biophysical properties (such as structural, functional, and spatial information, amino acid conservation, physicochemical variation, residue mobility, and thermodynamic stability) has been performed at Invitae for this missense variant, however the output from this modeling did not meet the statistical confidence thresholds required to predict the impact of this variant on TP63 protein function. In summary, the available evidence is currently insufficient to determine the role of this variant in disease. Therefore, it has been classified as a Variant of Uncertain Significance. This variant is present in population databases (rs751728506, gnomAD 0.01%). This sequence change replaces proline, which is neutral and non-polar, with threonine, which is neutral and polar, at codon 484 of the TP63 protein (p.Pro484Thr).